The following is an entry in ClinVar:

ClinVar aggregate classification (germline): Uncertain significance (1 of 4 stars; one submission).

gnomAD v4.1: 1 of 1,605,918 alleles (0.000062%); highest among the groups gnomAD compares: Non-Finnish European, 0.000085%; no homozygotes.

Submission:

Labcorp Genetics (formerly Invitae), Labcorp
Classification: Uncertain significance. Last evaluated: 2025-04-15. Review status: criteria provided, single submitter. Criteria: Invitae Variant Classification Sherloc (09022015). Collection method: clinical testing. Allele origin: germline.
Comment: This sequence change replaces threonine, which is neutral and polar, with alanine, which is neutral and non-polar, at codon 153 of the REPS1 protein (p.Thr153Ala). This variant is not present in population databases (gnomAD no frequency). This variant has not been reported in the literature in individuals affected with REPS1-related conditions. Invitae Evidence Modeling of protein sequence and biophysical properties (such as structural, functional, and spatial information, amino acid conservation, physicochemical variation, residue mobility, and thermodynamic stability) indicates that this missense variant is not expected to disrupt REPS1 protein function with a negative predictive value of 80%. In summary, the available evidence is currently insufficient to determine the role of this variant in disease. Therefore, it has been classified as a Variant of Uncertain Significance.

NM_001286611.2(REPS1):c.457A>G (p.Thr153Ala)

Gene: REPS1 (RALBP1 associated Eps domain containing 1; minus strand). Cytogenetic location: 6q24.1.
Variant type: single nucleotide variant.
Coding change: c.457A>G on transcript NM_001286611.2 (MANE Select); coding-DNA position 457, A replaced by G.
Protein change: p.Thr153Ala; replaces threonine 153 with alanine.
Molecular consequence: missense variant.
Genome position (GRCh38, 1-based): chr6:138,945,518, T>C on the plus strand (A>G on the coding strand, the complement: REPS1 is on the minus strand). VCF-style: chr6-138945518-T-C. GRCh37 (hg19) VCF-style: chr6-139266655-T-C.
Other names: c.457A>G, p.Thr153Ala (NM_001128617.3, NM_001286612.2, NM_031922.5); short protein forms T153A.
Identifiers: ClinVar variation 4737110 (VCV004737110.1).
Genomic context (GRCh38, chr6:138,945,518, plus strand): 5'-TGCACAGGGCATCAACTGCTAATATTTACATGCATGTGATTACCTGTGCATCTGCAGATG[T>C]ACGAGGCTGAACCGTATCATGGCTTACGGATCCCTTTTTCACTTGCCCCCTGCCAGGTGG-3'
Protein context (NP_001273540.1, residues 143-163): SVSHDTVQPR[Thr153Ala]SADAQEPASP